The following is an entry in ClinVar:

ClinVar aggregate classification (germline): Likely benign (0 of 4 stars; one submission).

Conditions:
NTN1-related disorder. Also called: NTN1-related condition.

Allele frequency attached by ClinVar (database versions not stated): gnomAD 0.00021; ExAC 0.00022; ESP Exome Variant Server 0.00023; gnomAD exomes 0.00037.
gnomAD v4.1: 554 of 1,579,792 alleles (0.035%); highest among the groups gnomAD compares: Non-Finnish European, 0.045%; no homozygotes.

Submission:

PreventionGenetics, part of Exact Sciences
Classification: Likely benign for NTN1-related condition. Last evaluated: 2019-03-07. Review status: no assertion criteria provided. Collection method: clinical testing. Allele origin: germline.
Comment: This variant is classified as likely benign based on ACMG/AMP sequence variant interpretation guidelines (Richards et al. 2015 PMID: 25741868, with internal and published modifications).

NM_004822.3(NTN1):c.1416C>T (p.Cys472=)

Gene: NTN1 (netrin 1; plus strand). Cytogenetic location: 17p13.1.
Variant type: single nucleotide variant.
Coding change: c.1416C>T on transcript NM_004822.3 (MANE Select); coding-DNA position 1416, C replaced by T.
Protein change: p.Cys472=; no amino-acid change (cysteine 472 retained).
Molecular consequence: synonymous variant.
Genome position (GRCh38, 1-based): chr17:9,221,172, C>T. VCF-style: chr17-9221172-C-T. GRCh37 (hg19) VCF-style: chr17-9124489-C-T.
Identifiers: ClinVar variation 3049728 (VCV003049728.2), dbSNP rs376071535, ClinGen allele CA8381322.
Genomic context (GRCh38, chr17:9,221,172, plus strand): 5'-TATTCATCGCCAGCCTAATTAGTTTTTGTCTGTGCTCCCCCCCCACCCCCCTGCAGACTG[C>T]GATTCCTACTGCAAGGCCTCCAAGGGGAAGCTGAAGATTAACATGAAAAAGTACTGCAAG-3'
Protein context (NP_004813.2, residues 462-482): AASSVEEPED[Cys472=]DSYCKASKGK